The following is an entry in ClinVar:

NM_001374828.1(ARID1B):c.611_612insGC (p.Gln205fs)

Genes: ARID1B (AT-rich interaction domain 1B; plus strand), LOC115308161 (uncharacterized LOC115308161; minus strand). Cytogenetic location: 6q25.3.
Variant type: Insertion.
Coding change: c.611_612insGC on transcript NM_001374828.1 (MANE Select); coding-DNA positions 611 to 612, GC inserted.
Protein change: p.Gln205fs; shifts the reading frame from glutamine 205.
Molecular consequence: frameshift variant. On other transcripts: non-coding transcript variant (1).
Genome position: GRCh38 VCF-style: chr6-156778291-A-AGC. GRCh37 (hg19) VCF-style: chr6-157099425-A-AGC.
Other names: c.611_612insGC, p.Gln205fs (NM_001371656.1, NM_001374820.1, NM_001438482.1 and 9 more transcripts); short protein forms Q205fs.
Identifiers: ClinVar variation 5002976 (VCV005002976.1).

ClinVar aggregate classification (germline): Uncertain significance (1 of 4 stars; one submission).

Conditions:
Coffin-Siris syndrome 1 (CSS1). Also called: Mental retardation, autosomal dominant 12; ARID1B-Related Coffin-Siris Syndrome. Identifiers: Orphanet 1465, MedGen C3281201, MONDO:0007617, OMIM 135900. Disease mechanism: gain of function.

Submission:

OLLIN Analises Genomicas, OLLIN
Classification: Uncertain significance for Coffin-Siris syndrome 1. Last evaluated: 2026-08-06. Review status: criteria provided, single submitter. Criteria: ACMG Guidelines 2015 PMID 25741868. Collection method: clinical testing. Allele origin: germline. Inheritance: Autosomal dominant inheritance.
Comment: This frameshift variant, located in exon 1 (of 20), has been observed in gnomAD with an allele frequency of 0.052%, but has not been reported in ClinVar or identified in the literature. This variant causes a frameshift and introduces a premature stop codon, which is predicted to result in either a truncated protein or degradation of the mRNA via nonsense-mediated decay (NMD). According to the currently available evidence, this variant has been classified as uncertain significance (PVS1, BS1).